The following is an entry in ClinVar:

NM_000231.3(SGCG):c.87dup (p.Gly30fs)

Gene: SGCG (sarcoglycan gamma; plus strand). Cytogenetic location: 13q12.12.
Variant type: Duplication.
Coding change: c.87dup on transcript NM_000231.3 (MANE Select); coding-DNA position 87, one base duplicated (T; older notation c.87dupT).
Protein change: p.Gly30fs; shifts the reading frame from glycine 30.
Molecular consequence: frameshift variant.
Genome position (GRCh38, 1-based): chr13:23,203,781, T duplicated. VCF-style (leftmost placement, unchanged base first): chr13-23203780-A-AT. GRCh37 (hg19) VCF-style: chr13-23777919-A-AT.
Other names: NM_000231.3(SGCG):c.87dup; p.Gly30fs; c.87dupT (NM_000231.2); c.141dup, p.Gly48fs (NM_001378244.1); c.87dup, p.Gly30fs (NM_001378245.1, NM_001378246.1); short protein forms G30fs, G48fs.
Identifiers: ClinVar variation 2008 (VCV000002008.15), dbSNP rs762777463, ClinGen allele CA6909562.

ClinVar aggregate classification (germline): Pathogenic. Review status: reviewed by expert panel (3 of 4 stars). 5 submissions from 5 submitters: Pathogenic (1). 4 of the submissions do not count toward it. Last evaluated 2025-01-08.

Conditions:
Autosomal recessive limb-girdle muscular dystrophy. Identifiers: Orphanet 102015, MedGen C2931907, MONDO:0015152.
Autosomal recessive limb-girdle muscular dystrophy type 2C (LGMDR5). Also called: MUSCULAR DYSTROPHY, LIMB-GIRDLE, AUTOSOMAL RECESSIVE 5; MUSCULAR DYSTROPHY, DUCHENNE-LIKE. Identifiers: Orphanet 353, MedGen C0410173, MONDO:0009677, OMIM 253700. Disease mechanism: Affects gamma-sarcoglycan and also disrupts the integrity of the entire sarcoglycan complex..

Allele frequency attached by ClinVar (database versions not stated): gnomAD exomes below 0.00001; ExAC 0.00001; gnomAD 0.00001.

Submissions (5):

ClinGen Limb Girdle Muscular Dystrophy Variant Curation Expert Panel, ClinGen
Classification: Pathogenic for Autosomal recessive limb-girdle muscular dystrophy. Last evaluated: 2025-01-08. Review status: reviewed by expert panel. Criteria: ClinGen LGMD VCEP ACMG Specifications SGCG V1.0.0. Collection method: curation. Allele origin: germline. Inheritance: Autosomal recessive inheritance.
Comment: The NM_000231.3: c.87dup p.(Gly30TrpfsTer30) variant in SGCG is a frameshift variant predicted to cause a premature stop codon in biologically relevant exon 2/8, leading to nonsense mediated decay in a gene in which loss of function is an established disease mechanism (PVS1). This variant has been detected in at least seven individuals with autosomal recessive limb girdle muscular dystrophy, including in a homozygous state in six (1.0 pt; PMID: 27759885, 18285821, 8923014) (PM3). At least one patient with this variant and a second SGCG variant presented with progressive limb girdle muscle weakness (PP4). The variant has been reported to segregate with autosomal recessive limb girdle muscular dystrophy in two affected family members from two families (PP1_Moderate; PMID: 27759885). This variant is absent from gnomAD v2.1.1 and v3.1.2 (PM2_Supporting). In summary, this variant meets the criteria to be classified as Pathogenic for autosomal recessive limb girdle muscular dystrophy based on the ACMG/AMP criteria applied, as specified by the ClinGen LGMD VCEP (LGMD VCEP specifications version 1.0.0; 01/08/2025)(LGMD VCEP specifications version 1.0.0; 01/08/2025): PVS1, PP1_Moderate, PM2_Supporting, PM3, PP4.

Natera, Inc.
Classification: Pathogenic for Limb-girdle muscular dystrophy type 2C. Last evaluated: 2024-05-31. Review status: criteria provided, single submitter. Criteria: Natera Variant Classification Schema (03/2026). Collection method: clinical testing. Allele origin: germline. Not counted in ClinVar's aggregate classification.
Comment: The c.87dup variant in SGCG is a frameshift variant predicted to shift the reading frame beginning at codon 30 and leads to a stop codon 30 codons downstream. This variant is expected to result in nonsense mediated decay, truncation, or a dysfunctional protein product. This variant is rare in the general population with a frequency below the threshold expected for the associated phenotype(s). This variant has been observed in one or more individuals affected with the associated recessive disease, as either homozygous or compound heterozygous with a second variant (PMID: 27759885, 19770540). Given the available evidence, this variant is classified as Pathogenic.

Revvity Omics, Revvity
Classification: Pathogenic for Autosomal recessive limb-girdle muscular dystrophy type 2C. Last evaluated: 2024-03-28. Review status: criteria provided, single submitter. Criteria: ACMG Guidelines, 2015. Collection method: clinical testing. Allele origin: germline. Not counted in ClinVar's aggregate classification.

Labcorp Genetics (formerly Invitae), Labcorp
Classification: Pathogenic for Autosomal recessive limb-girdle muscular dystrophy type 2C. Last evaluated: 2023-06-16. Review status: criteria provided, single submitter. Criteria: Invitae Variant Classification Sherloc (09022015). Collection method: clinical testing. Allele origin: germline. Not counted in ClinVar's aggregate classification.
Comment: This sequence change creates a premature translational stop signal (p.Gly30Trpfs*30) in the SGCG gene. It is expected to result in an absent or disrupted protein product. Loss-of-function variants in SGCG are known to be pathogenic (PMID: 18285821). For these reasons, this variant has been classified as Pathogenic. ClinVar contains an entry for this variant (Variation ID: 2008). This premature translational stop signal has been observed in individual(s) with clinical features of limb-girdle muscular dystrophy (PMID: 8923014, 27759885). This variant is present in population databases (rs762777463, gnomAD 0.0009%).

OMIM
Classification: Pathogenic for MUSCULAR DYSTROPHY, LIMB-GIRDLE, AUTOSOMAL RECESSIVE 5. Last evaluated: 2000-01-01. Review status: no assertion criteria provided. Collection method: literature only. Allele origin: germline. Not counted in ClinVar's aggregate classification.

Literature cited by the submitters: PubMed 27759885 (cited by Natera, Inc. and Labcorp Genetics (formerly Invitae), Labcorp); PubMed 19770540 (cited by Natera, Inc.); PubMed 18285821 (cited by Labcorp Genetics (formerly Invitae), Labcorp); PubMed 8923014 (cited by Labcorp Genetics (formerly Invitae), Labcorp and OMIM); PubMed 10874299 (cited by OMIM).